The following is an entry in ClinVar:

ClinVar aggregate classification (germline): Pathogenic. Review status: criteria provided, single submitter (1 of 4 stars). 2 submissions from 2 submitters: Pathogenic (1). 1 of the submissions does not count toward it. Last evaluated 2020-05-26.

Conditions:
Insulin-dependent diabetes mellitus secretory diarrhea syndrome (IPEX). Also called: IPEX and IPEX-Like; Immunodeficiency, Polyendocrinopathy, and Enteropathy X-Linked Syndrome; X-Linked Syndrome of Polyendocrinopathy, Immune Dysfunction, and Diarrhea; DIABETES MELLITUS, CONGENITAL INSULIN-DEPENDENT, WITH FATAL SECRETORY DIARRHEA; DIARRHEA, POLYENDOCRINOPATHY, FATAL INFECTION SYNDROME, X-LINKED; ENTEROPATHY, AUTOIMMUNE, WITH HEMOLYTIC ANEMIA AND POLYENDOCRINOPATHY. Identifiers: Orphanet 37042, MedGen C0342288, MONDO:0010580, OMIM 304790. Disease mechanism: loss of function.

Submissions (2):

Labcorp Genetics (formerly Invitae), Labcorp
Classification: Pathogenic for Insulin-dependent diabetes mellitus secretory diarrhea syndrome. Last evaluated: 2020-05-26. Review status: criteria provided, single submitter. Criteria: Invitae Variant Classification Sherloc (09022015). Collection method: clinical testing. Allele origin: germline.
Comment: This variant disrupts the p.Phe367 amino acid residue in FOXP3. Other variant(s) that disrupt this residue have been observed in individuals with FOXP3-related conditions (PMID: 26748374, 18820676), which suggests that this may be a clinically significant amino acid residue. For these reasons, this variant has been classified as Pathogenic. This variant is not present in population databases (ExAC no frequency). This variant has been observed in individual(s) with clinical features of X-linked recessive immunodysregulation, polyendocrinopathy, and enteropathy (IPEX syndrome) (PMID: 17635943, 22581967, 18795917, Invitae). ClinVar contains an entry for this variant (Variation ID: 11419). Algorithms developed to predict the effect of missense changes on protein structure and function are either unavailable or do not agree on the potential impact of this missense change (SIFT: "Tolerated"; PolyPhen-2: "Possibly Damaging"; Align-GVGD: "Class C0"). This sequence change replaces phenylalanine with leucine at codon 367 of the FOXP3 protein (p.Phe367Leu). The phenylalanine residue is highly conserved and there is a small physicochemical difference between phenylalanine and leucine.

OMIM
Classification: Pathogenic for IMMUNODYSREGULATION, POLYENDOCRINOPATHY, AND ENTEROPATHY, X-LINKED. Last evaluated: 2007-10-01. Review status: no assertion criteria provided. Collection method: literature only. Allele origin: germline. Not counted in ClinVar's aggregate classification.

Literature cited by the submitters: PubMed 26748374 (cited by Labcorp Genetics (formerly Invitae), Labcorp); PubMed 18820676 (cited by Labcorp Genetics (formerly Invitae), Labcorp); PubMed 17635943 (cited by Labcorp Genetics (formerly Invitae), Labcorp and OMIM); PubMed 22581967 (cited by Labcorp Genetics (formerly Invitae), Labcorp); PubMed 18795917 (cited by Labcorp Genetics (formerly Invitae), Labcorp).

NM_014009.4(FOXP3):c.1099T>C (p.Phe367Leu)

Gene: FOXP3 (forkhead box P3; minus strand). Cytogenetic location: Xp11.23.
Variant type: single nucleotide variant.
Coding change: c.1099T>C on transcript NM_014009.4 (MANE Select); coding-DNA position 1099, T replaced by C.
Protein change: p.Phe367Leu; replaces phenylalanine 367 with leucine.
Molecular consequence: missense variant.
Genome position (GRCh38, 1-based): chrX:49,251,711, A>G on the plus strand (T>C on the coding strand, the complement: FOXP3 is on the minus strand). VCF-style: chrX-49251711-A-G. GRCh37 (hg19) VCF-style: chrX-49108172-A-G.
Other names: P367L; c.994T>C, p.Phe332Leu (NM_001114377.2); short protein forms F367L, F332L.
Identifiers: ClinVar variation 11419 (VCV000011419.9), dbSNP rs122467175, ClinGen allele CA255875.